The following is an entry in ClinVar:

NC_000008.11:g.(?_71269720)_(71269843_?)del

Gene: EYA1 (EYA transcriptional coactivator and phosphatase 1; minus strand). Cytogenetic location: 8q13.3.
Variant type: Deletion.
Identifiers: ClinVar variation 831168 (VCV000831168.8).

ClinVar aggregate classification (germline): Pathogenic. Review status: criteria provided, single submitter (1 of 4 stars). 2 submissions from 1 submitter: Pathogenic (2). Last evaluated 2019-12-03.

Conditions:
Melnick-Fraser syndrome (BOR). Also called: Branchiootorenal syndrome; Branchio-oto-renal syndrome; Branchiootorenal Syndrome (BORS). Identifiers: Orphanet 107, MedGen C0265234, MONDO:0007029.
Branchiootorenal syndrome 1. Also called: Branchio-Oto-Renal Syndrome 1. Identifiers: Orphanet 107, MedGen C4551702, MONDO:0007236, OMIM 113650.

Submissions (2):

Labcorp Genetics (formerly Invitae), Labcorp
Classification: Pathogenic for Melnick-Fraser syndrome. Last evaluated: 2019-12-03. Review status: criteria provided, single submitter. Criteria: Invitae Variant Classification Sherloc (09022015). Collection method: clinical testing. Allele origin: germline.
Comment: This variant is an in-frame deletion of the genomic region encompassing exon 11 of the EYA1 gene. It preserves the integrity of the reading frame. Similar copy number variants have been observed in individuals affected with clinical features of branchiootorenal syndrome (PMID: 19206155, Invitae). This exon is also known as exon 9 in the literature. For these reasons, this variant has been classified as Pathogenic.

Labcorp Genetics (formerly Invitae), Labcorp
Classification: Pathogenic for Melnick-Fraser syndrome. Last evaluated: 2019-11-25. Review status: criteria provided, single submitter. Criteria: Invitae Variant Classification Sherloc (09022015). Collection method: clinical testing. Allele origin: germline.
Comment: For these reasons, this variant has been classified as Pathogenic. Similar copy number variants have been observed in individuals affected with clinical features of branchiootorenal syndrome (PMID: 19206155, Invitae). This exon is also known as exon 9 in the literature. This variant is an in-frame deletion of the genomic region encompassing exon 11 of the EYA1 gene. It preserves the integrity of the reading frame.

Literature cited by the submitters: PubMed 19206155.